The following is an entry in ClinVar:

ClinVar aggregate classification (germline): Uncertain significance. Review status: criteria provided, multiple submitters, no conflicts (2 of 4 stars). 2 submissions from 2 submitters: Uncertain significance (2). Last evaluated 2024-10-21.

Allele frequency attached by ClinVar (database versions not stated): gnomAD exomes 0.00001 and 0.00002; ExAC 0.00005; gnomAD 0.00017 and 0.00018; ESP Exome Variant Server 0.00022; TOPMed 0.00026.
gnomAD v4.1: 46 of 1,551,854 alleles (0.003%); highest among the groups gnomAD compares: African/African-American, 0.036%; no homozygotes.

Submissions (2):

Labcorp Genetics (formerly Invitae), Labcorp
Classification: Uncertain significance. Last evaluated: 2024-10-21. Review status: criteria provided, single submitter. Criteria: Invitae Variant Classification Sherloc (09022015). Collection method: clinical testing. Allele origin: germline.
Comment: This sequence change replaces proline, which is neutral and non-polar, with leucine, which is neutral and non-polar, at codon 383 of the DTHD1 protein (p.Pro383Leu). This variant is present in population databases (rs374066496, gnomAD 0.05%). This variant has not been reported in the literature in individuals affected with DTHD1-related conditions. ClinVar contains an entry for this variant (Variation ID: 1477747). An algorithm developed to predict the effect of missense changes on protein structure and function outputs the following: PolyPhen-2: "Benign". The leucine amino acid residue is found in multiple mammalian species, which suggests that this missense change does not adversely affect protein function. In summary, the available evidence is currently insufficient to determine the role of this variant in disease. Therefore, it has been classified as a Variant of Uncertain Significance.

Ambry Genetics
Classification: Uncertain significance. Last evaluated: 2023-09-20. Review status: criteria provided, single submitter. Criteria: Ambry Variant Classification Scheme 2023. Collection method: clinical testing. Allele origin: germline.

NM_001170700.3(DTHD1):c.2018C>T (p.Pro673Leu)

Gene: DTHD1 (death domain containing 1; plus strand). Cytogenetic location: 4p14.
Variant type: single nucleotide variant.
Coding change: c.2018C>T on transcript NM_001170700.3 (MANE Select); coding-DNA position 2018, C replaced by T.
Protein change: p.Pro673Leu; replaces proline 673 with leucine.
Molecular consequence: missense variant. On other transcripts: non-coding transcript variant (2).
Genome position (GRCh38, 1-based): chr4:36,308,416, C>T. VCF-style: chr4-36308416-C-T. GRCh37 (hg19) VCF-style: chr4-36310038-C-T.
Other names: c.1643C>T (NM_001170700.1); c.1148C>T, p.Pro383Leu (NM_001136536.5); c.1085C>T, p.Pro362Leu (NM_001378435.1); short protein forms P362L, P383L, P673L.
Identifiers: ClinVar variation 1477747 (VCV001477747.7), dbSNP rs374066496, ClinGen allele CA2885694.